The following is an entry in ClinVar:

NM_015459.5(ATL3):c.76C>G (p.Pro26Ala)

Gene: ATL3 (atlastin GTPase 3; minus strand). Cytogenetic location: 11q13.1.
Variant type: single nucleotide variant.
Coding change: c.76C>G on transcript NM_015459.5 (MANE Select); coding-DNA position 76, C replaced by G.
Protein change: p.Pro26Ala; replaces proline 26 with alanine.
Molecular consequence: missense variant.
Genome position (GRCh38, 1-based): chr11:63,659,223, G>C on the plus strand (C>G on the coding strand, the complement: ATL3 is on the minus strand). VCF-style: chr11-63659223-G-C. GRCh37 (hg19) VCF-style: chr11-63426695-G-C.
Other names: c.22C>G, p.Pro8Ala (NM_001290048.2); short protein forms P26A, P8A.
Identifiers: ClinVar variation 566349 (VCV000566349.11), dbSNP rs201256418, ClinGen allele CA223749492.

ClinVar aggregate classification (germline): Uncertain significance. Review status: criteria provided, multiple submitters, no conflicts (2 of 4 stars). 2 submissions from 2 submitters: Uncertain significance (2). Last evaluated 2023-09-22.

Conditions:
Neuropathy, hereditary sensory, type 1F. Also called: Hereditary sensory neuropathy type IF; HSN IF. Identifiers: Orphanet 36386, MedGen C3810194, MONDO:0014286, OMIM 615632.

Allele frequency attached by ClinVar (database versions not stated): gnomAD 0.00001; gnomAD exomes 0.00001 and 0.00002; TOPMed 0.00002.
gnomAD v4.1: 27 of 1,613,956 alleles (0.0017%); highest among the groups gnomAD compares: Non-Finnish European, 0.0022%; no homozygotes.

Submissions (2):

Labcorp Genetics (formerly Invitae), Labcorp
Classification: Uncertain significance for Neuropathy, hereditary sensory, type 1F. Last evaluated: 2023-09-22. Review status: criteria provided, single submitter. Criteria: Invitae Variant Classification Sherloc (09022015). Collection method: clinical testing. Allele origin: germline.
Comment: This sequence change replaces proline, which is neutral and non-polar, with alanine, which is neutral and non-polar, at codon 26 of the ATL3 protein (p.Pro26Ala). This variant is present in population databases (rs201256418, gnomAD 0.002%). This variant has not been reported in the literature in individuals affected with ATL3-related conditions. ClinVar contains an entry for this variant (Variation ID: 566349). An algorithm developed to predict the effect of missense changes on protein structure and function (PolyPhen-2) suggests that this variant is likely to be disruptive. In summary, the available evidence is currently insufficient to determine the role of this variant in disease. Therefore, it has been classified as a Variant of Uncertain Significance.

Department of Pathology and Laboratory Medicine, Sinai Health System
Classification: Uncertain significance for Neuropathy, hereditary sensory, type 1F. Last evaluated: 2022-11-14. Review status: criteria provided, single submitter. Criteria: ACMG Guidelines, 2015. Collection method: research. Allele origin: germline.